The following is an entry in ClinVar:

NM_032119.4(ADGRV1):c.9660C>A (p.Thr3220=)

Gene: ADGRV1 (adhesion G protein-coupled receptor V1; plus strand). Cytogenetic location: 5q14.3.
Variant type: single nucleotide variant.
Coding change: c.9660C>A on transcript NM_032119.4 (MANE Select); coding-DNA position 9660, C replaced by A.
Protein change: p.Thr3220=; no amino-acid change (threonine 3220 retained).
Molecular consequence: synonymous variant. On other transcripts: non-coding transcript variant (1).
Genome position (GRCh38, 1-based): chr5:90,720,971, C>A. VCF-style: chr5-90720971-C-A. GRCh37 (hg19) VCF-style: chr5-90016788-C-A.
Other names: c.9660C>A (NM_032119.3).
Identifiers: ClinVar variation 1646200 (VCV001646200.11), dbSNP rs769968855, ClinGen allele CA3340568.

ClinVar aggregate classification (germline): Likely benign. Review status: criteria provided, multiple submitters, no conflicts (2 of 4 stars). 3 submissions from 3 submitters: Likely benign (2). 1 of the submissions does not count toward it. Last evaluated 2026-01-20.

Conditions:
ADGRV1-related disorder. Also called: ADGRV1-related disorders; ADGRV1-related condition.

gnomAD v4.1: 61 of 1,611,826 alleles (0.0038%); highest among the groups gnomAD compares: Middle Eastern, 0.016%; no homozygotes.

Submissions (3):

Labcorp Genetics (formerly Invitae), Labcorp
Classification: Likely benign. Last evaluated: 2026-01-20. Review status: criteria provided, single submitter. Criteria: Invitae Variant Classification Sherloc (09022015). Collection method: clinical testing. Allele origin: germline.

Blueprint Genetics
Classification: Likely benign. Last evaluated: 2022-11-16. Review status: criteria provided, single submitter. Criteria: ACMG Guidelines, 2015. Collection method: clinical testing. Allele origin: germline.

PreventionGenetics, part of Exact Sciences
Classification: Likely benign for ADGRV1-related condition. Last evaluated: 2019-07-30. Review status: no assertion criteria provided. Collection method: clinical testing. Allele origin: germline. Not counted in ClinVar's aggregate classification.
Comment: This variant is classified as likely benign based on ACMG/AMP sequence variant interpretation guidelines (Richards et al. 2015 PMID: 25741868, with internal and published modifications).